The following is an entry in ClinVar:

NM_004628.5(XPC):c.1946T>C (p.Leu649Pro)

Gene: XPC (XPC complex subunit, DNA damage recognition and repair factor; minus strand). Cytogenetic location: 3p25.1.
Variant type: single nucleotide variant.
Coding change: c.1946T>C on transcript NM_004628.5 (MANE Select); coding-DNA position 1946, T replaced by C.
Protein change: p.Leu649Pro; replaces leucine 649 with proline.
Molecular consequence: missense variant. On other transcripts: intron variant (1).
Genome position (GRCh38, 1-based): chr3:14,156,422, A>G on the plus strand (T>C on the coding strand, the complement: XPC is on the minus strand). VCF-style: chr3-14156422-A-G. GRCh37 (hg19) VCF-style: chr3-14197922-A-G.
Other names: c.1367T>C, p.Leu456Pro (NM_001354726.2); c.1928T>C, p.Leu643Pro (NM_001354729.2); c.1700T>C, p.Leu567Pro (NM_001354730.2); c.1872+1589T>C (NM_001354727.2); short protein forms L456P, L567P, L643P, L649P.
Identifiers: ClinVar variation 997551 (VCV000997551.2), dbSNP rs1695909488, ClinGen allele CA351538677.

ClinVar aggregate classification (germline): Uncertain significance (1 of 4 stars; one submission).

Conditions:
Xeroderma pigmentosum, group C (XPC). Also called: Xeroderma pigmentosum, complementation group C; XPC-Related Xeroderma Pigmentosum; XERODERMA PIGMENTOSUM III; XP, GROUP C. Identifiers: Orphanet 910, MedGen C2752147, MONDO:0010211, OMIM 278720.

Allele frequency attached by ClinVar (database versions not stated): gnomAD exomes below 0.00001.
gnomAD v4.1: 1 of 1,614,044 alleles (0.000062%); highest among the groups gnomAD compares: Admixed American, 0.0017%; no homozygotes.

Submission:

Baylor Genetics
Classification: Uncertain significance for Xeroderma pigmentosum, group C. Last evaluated: 2019-03-19. Review status: criteria provided, single submitter. Criteria: ACMG Guidelines, 2015. Collection method: clinical testing. Allele origin: unknown. Affected: yes. Study: CSER-TexasKidsCanSeq.
Comment: This variant was determined to be of uncertain significance according to ACMG Guidelines, 2015 [PMID:25741868].